The following is an entry in ClinVar:

NM_024529.5(CDC73):c.973-5T>A

Gene: CDC73 (cell division cycle 73; plus strand). Cytogenetic location: 1q31.2.
Variant type: single nucleotide variant.
Coding change: c.973-5T>A on transcript NM_024529.5 (MANE Select); 5 bases into the intron before coding-DNA position 973, T replaced by A.
Molecular consequence: intron variant.
Genome position (GRCh38, 1-based): chr1:193,203,790, T>A. VCF-style: chr1-193203790-T-A. GRCh37 (hg19) VCF-style: chr1-193172920-T-A.
Identifiers: ClinVar variation 3488502 (VCV003488502.1).

ClinVar aggregate classification (germline): Uncertain significance (1 of 4 stars; one submission).

Conditions:
Hereditary cancer-predisposing syndrome. Also called: Tumor predisposition; Neoplastic Syndromes, Hereditary; Hereditary Cancer Syndrome; Hereditary neoplastic syndrome. Identifiers: Orphanet 140162, MedGen C0027672, MeSH D009386, MONDO:0015356.

Submission:

Ambry Genetics
Classification: Uncertain significance for Hereditary cancer-predisposing syndrome. Last evaluated: 2024-07-24. Review status: criteria provided, single submitter. Criteria: Ambry Variant Classification Scheme 2023. Collection method: clinical testing. Allele origin: germline.
Comment: The c.973-5T>A intronic variant results from a T to A substitution 5 nucleotides upstream from coding exon 11 in the CDC73 gene. This nucleotide position is well conserved in available vertebrate species. In silico splice site analysis for this alteration is inconclusive. Based on the available evidence, the clinical significance of this variant remains unclear.